The following is an entry in ClinVar:

NM_000218.3(KCNQ1):c.1394-3656A>G

Genes: KCNQ1 (potassium voltage-gated channel subfamily Q member 1; plus strand), KCNQ1OT1 (KCNQ1 opposite strand/antisense transcript 1; minus strand). Cytogenetic location: 11p15.5.
Variant type: single nucleotide variant.
Coding change: c.1394-3656A>G on transcript NM_000218.3 (MANE Select); 3656 bases into the intron before coding-DNA position 1394, A replaced by G.
Molecular consequence: intron variant. On other transcripts: non-coding transcript variant (1).
Genome position (GRCh38, 1-based): chr11:2,658,305, A>G. VCF-style: chr11-2658305-A-G. GRCh37 (hg19) VCF-style: chr11-2679535-A-G.
Other names: c.1124-3656A>G (NM_001406837.1); c.1298-3656A>G (NM_001406836.1); c.854-3656A>G (NM_001406838.1); c.1013-3656A>G (NM_181798.2).
Identifiers: ClinVar variation 3234534 (VCV003234534.20), dbSNP rs778105403, ClinGen allele CA216168011.

ClinVar aggregate classification (germline): Likely benign (1 of 4 stars; one submission).

Allele frequency attached by ClinVar (database versions not stated): TOPMed 0.00045; gnomAD 0.00048; gnomAD exomes 0.00068.
gnomAD v4.1: 236 of 398,500 alleles (0.059%); highest among the groups gnomAD compares: Non-Finnish European, 0.087%; no homozygotes.

Submission:

CeGaT Center for Human Genetics Tuebingen
Classification: Likely benign. Last evaluated: 2024-04-01. Review status: criteria provided, single submitter. Criteria: CeGaT Center For Human Genetics Tuebingen Variant Classification Criteria Version 2. Collection method: clinical testing. Allele origin: germline. Affected: yes. Observed: 1 variant allele.
Comment: KCNQ1OT1: BS1